The following is an entry in ClinVar:

ClinVar aggregate classification (germline): Pathogenic (1 of 4 stars; one submission).

Submission:

Labcorp Genetics (formerly Invitae), Labcorp
Classification: Pathogenic. Last evaluated: 2022-04-12. Review status: criteria provided, single submitter. Criteria: Invitae Variant Classification Sherloc (09022015). Collection method: clinical testing. Allele origin: germline.
Comment: For these reasons, this variant has been classified as Pathogenic. This variant has not been reported in the literature in individuals affected with C3-related conditions. This variant is not present in population databases (gnomAD no frequency). This sequence change creates a premature translational stop signal (p.Tyr534*) in the C3 gene. It is expected to result in an absent or disrupted protein product. Loss-of-function variants in C3 are known to be pathogenic (PMID: 12462331, 14639503, 21501302).

Literature cited by the submitters: PubMed 12462331; PubMed 14639503; PubMed 21501302.

NM_000064.4(C3):c.1602C>A (p.Tyr534Ter)

Gene: C3 (complement C3; minus strand). Cytogenetic location: 19p13.3.
Variant type: single nucleotide variant.
Coding change: c.1602C>A on transcript NM_000064.4 (MANE Select); coding-DNA position 1602, C replaced by A.
Protein change: p.Tyr534Ter; replaces tyrosine 534 with a stop codon.
Molecular consequence: nonsense.
Genome position (GRCh38, 1-based): chr19:6,710,723, G>T on the plus strand (C>A on the coding strand, the complement: C3 is on the minus strand). VCF-style: chr19-6710723-G-T. GRCh37 (hg19) VCF-style: chr19-6710734-G-T.
Other names: short protein forms Y534*.
Identifiers: ClinVar variation 2125661 (VCV002125661.4), dbSNP rs2512262130, ClinGen allele CA403640385.